The following is an entry in ClinVar:

ClinVar aggregate classification (germline): Uncertain significance. Review status: criteria provided, multiple submitters, no conflicts (2 of 4 stars). 2 submissions from 2 submitters: Uncertain significance (2). Last evaluated 2024-07-10.

Submissions (2):

Blueprint Genetics
Classification: Uncertain significance. Last evaluated: 2024-07-10. Review status: criteria provided, single submitter. Criteria: ACMG Guidelines, 2015. Collection method: clinical testing. Allele origin: germline.

Labcorp Genetics (formerly Invitae), Labcorp
Classification: Uncertain significance. Last evaluated: 2022-09-02. Review status: criteria provided, single submitter. Criteria: Invitae Variant Classification Sherloc (09022015). Collection method: clinical testing. Allele origin: germline.
Comment: This sequence change falls in intron 8 of the DDX3X gene. It does not directly change the encoded amino acid sequence of the DDX3X protein. In summary, the available evidence is currently insufficient to determine the role of this variant in disease. Therefore, it has been classified as a Variant of Uncertain Significance. Algorithms developed to predict the effect of sequence changes on RNA splicing suggest that this variant may create or strengthen a splice site. This variant has not been reported in the literature in individuals affected with DDX3X-related conditions. This variant is not present in population databases (gnomAD no frequency).

NM_001356.5(DDX3X):c.766-12C>G

Gene: DDX3X (DEAD-box helicase 3 X-linked; plus strand). Cytogenetic location: Xp11.4.
Variant type: single nucleotide variant.
Coding change: c.766-12C>G on transcript NM_001356.5 (MANE Select); 12 bases into the intron before coding-DNA position 766, C replaced by G.
Molecular consequence: intron variant.
Genome position (GRCh38, 1-based): chrX:41,344,018, C>G. VCF-style: chrX-41344018-C-G. GRCh37 (hg19) VCF-style: chrX-41203271-C-G.
Other names: c.766-12C>G (NM_001193416.3); c.718-12C>G (NM_001193417.3); c.208-12C>G (NM_001363819.1).
Identifiers: ClinVar variation 1972503 (VCV001972503.6), dbSNP rs2519514086, ClinGen allele CA2580101032.
Genomic context (GRCh38, chrX:41,344,018, plus strand): 5'-AGGGAATTATGTTGTGATGAACTTTTCAAACAGGGTAGGTAGAGTTAACTTAAAAATTAA[C>G]TTATTTCTTAGGAAAATGGAAGGTATGGGCGCCGCAAACAATACCCAATCTCCTTGGTAT-3'